The following is an entry in ClinVar:

ClinVar aggregate classification (germline): Uncertain significance. Review status: criteria provided, multiple submitters, no conflicts (2 of 4 stars). 3 submissions from 2 submitters: Uncertain significance (3). Last evaluated 2020-11-27.

Conditions:
Transitory neonatal diabetes mellitus. Also called: Transient neonatal diabetes mellitus. Identifiers: MedGen C0342273, MONDO:0020525, HP:0008255.
Maturity-onset diabetes of the young (MODY). Also called: Maturity onset diabetes mellitus in young. Identifiers: Orphanet 552, MedGen C0342276, MONDO:0018911, HP:0004904.
Hyperinsulinemic hypoglycemia, familial, 1 (HHF1). Also called: Persistent hyperinsulinemic hypoglycemia of infancy; Persistent Hyperinsulinemia Hypoglycemia of Infancy; HYPERINSULINISM, FAMILIAL, WITH PANCREATIC NESIDIOBLASTOSIS; HYPOGLYCEMIA, HYPERINSULINEMIC, OF INFANCY; NESIDIOBLASTOSIS OF PANCREAS. Identifiers: Orphanet 276575, Orphanet 276598, MedGen C2931832, MONDO:0009734, OMIM 256450.

Submissions (3):

Institute of Human Genetics, University of Goettingen
Classification: Uncertain significance for Hyperinsulinemic hypoglycemia, familial, 1. Last evaluated: 2020-11-27. Review status: criteria provided, single submitter. Criteria: ACMG Guidelines, 2015. Collection method: clinical testing. Allele origin: germline. Inheritance: Autosomal dominant inheritance. Affected: yes. Observed: 1 variant allele, 1 heterozygote.
Comment: This variant was found within clinical testing. It is absent from gnomAD and is predicted to be damaging. This variant is not described elsewhere, but it fits to the symptoms of the patient. In summary and using ACMG criteria PM1, PM2 and PP2 we classify this variant as variant of unknown clinical significance.

Clinical Genomics, Uppaluri K&H Personalized Medicine Clinic
Classification: Uncertain significance for Maturity-onset diabetes of the young. Review status: criteria provided, single submitter. Criteria: K & H Uppaluri Personalized Medicine Clinic Variant Classification & Assertion Criteria_Updated V.1. Collection method: research. Allele origin: somatic. Inheritance: Somatic mutation.
Comment: Mutations in ABCC8 gene are associated with both neonatal diabetes mellitus as well as MODY. Patients with this mutation may have a better response to sulfonylureas. However, no sufficient evidence is found to ascertain the role of this particular variant ( rs1953897394) in MODY yet.

Clinical Genomics, Uppaluri K&H Personalized Medicine Clinic
Classification: Uncertain significance for Transitory neonatal diabetes mellitus. Review status: criteria provided, single submitter. Criteria: K & H Uppaluri Personalized Medicine Clinic Variant Classification & Assertion Criteria_Updated V.1. Collection method: research. Allele origin: somatic. Inheritance: Somatic mutation.
Comment: Mutations in ABCC8 gene are associated with both neonatal diabetes mellitus as well as MODY. Patients with this mutation may have a better response to sulfonylureas. However, no sufficient evidence is found to ascertain the role of this particular variant ( rs1953897394 ) in neonatal diabetes yet.

Literature cited by the submitters: PubMed 16885549 (cited by Clinical Genomics, Uppaluri K&H Personalized Medicine Clinic); PubMed 21989597 (cited by Clinical Genomics, Uppaluri K&H Personalized Medicine Clinic); PubMed 27538677 (cited by Clinical Genomics, Uppaluri K&H Personalized Medicine Clinic); PubMed 18981553 (cited by Clinical Genomics, Uppaluri K&H Personalized Medicine Clinic); PubMed 32027066 (cited by Clinical Genomics, Uppaluri K&H Personalized Medicine Clinic); PubMed 16613899 (cited by Clinical Genomics, Uppaluri K&H Personalized Medicine Clinic); PubMed 18025408 (cited by Clinical Genomics, Uppaluri K&H Personalized Medicine Clinic); PubMed 32792356 (cited by Clinical Genomics, Uppaluri K&H Personalized Medicine Clinic).

NM_000352.6(ABCC8):c.4171T>G (p.Phe1391Val)

Gene: ABCC8 (ATP binding cassette subfamily C member 8; minus strand). Cytogenetic location: 11p15.1.
Variant type: single nucleotide variant.
Coding change: c.4171T>G on transcript NM_000352.6 (MANE Select); coding-DNA position 4171, T replaced by G.
Protein change: p.Phe1391Val; replaces phenylalanine 1391 with valine.
Molecular consequence: missense variant. On other transcripts: non-coding transcript variant (1).
Genome position (GRCh38, 1-based): chr11:17,395,879, A>C on the plus strand (T>G on the coding strand, the complement: ABCC8 is on the minus strand). VCF-style: chr11-17395879-A-C. GRCh37 (hg19) VCF-style: chr11-17417426-A-C.
Other names: ABCC8; c.4174T>G, p.Phe1392Val (NM_001287174.3); c.4237T>G, p.Phe1413Val (NM_001351295.2); c.4171T>G, p.Phe1391Val (NM_001351296.2); c.4168T>G, p.Phe1390Val (NM_001351297.2); short protein forms F1390V, F1391V, F1392V, F1413V.
Identifiers: ClinVar variation 1027359 (VCV001027359.4), dbSNP rs1953897394, ClinGen allele CA379787990.